The following is an entry in ClinVar:

NM_001164508.2(NEB):c.3416C>T (p.Thr1139Met)

Gene: NEB (nebulin; minus strand). Cytogenetic location: 2q23.3.
Variant type: single nucleotide variant.
Coding change: c.3416C>T on transcript NM_001164508.2 (MANE Select); coding-DNA position 3416, C replaced by T.
Protein change: p.Thr1139Met; replaces threonine 1139 with methionine.
Molecular consequence: missense variant.
Genome position (GRCh38, 1-based): chr2:151,678,027, G>A on the plus strand (C>T on the coding strand, the complement: NEB is on the minus strand). VCF-style: chr2-151678027-G-A. GRCh37 (hg19) VCF-style: chr2-152534541-G-A.
Other names: c.3416C>T, p.Thr1139Met (NM_001164507.2, NM_001271208.2, NM_004543.5); short protein forms T1139M.
Identifiers: ClinVar variation 331520 (VCV000331520.22), dbSNP rs181244403, ClinGen allele CA1910915.

ClinVar aggregate classification (germline): Conflicting classifications of pathogenicity. Review status: criteria provided, conflicting classifications (1 of 4 stars). 8 submissions from 8 submitters: Uncertain significance (6); Likely benign (1). 1 of the submissions does not count toward it. Last evaluated 2026-01-02.

Conditions:
Nemaline myopathy 2 (NEM2). Also called: Nemaline myopathy 2, autosomal recessive. Identifiers: MedGen C1850569, MONDO:0009725, OMIM 256030.
Inborn genetic diseases. Identifiers: MedGen C0950123, MeSH D030342.

Allele frequency attached by ClinVar (database versions not stated): gnomAD 0.00008 and 0.00011; gnomAD exomes 0.00008 and 0.00010; ExAC 0.00010; TOPMed 0.00011; 1000 Genomes Project 30x 0.00047; 1000 Genomes Project 0.00060.
gnomAD v4.1: 137 of 1,613,918 alleles (0.0085%); highest among the groups gnomAD compares: Admixed American, 0.018%; no homozygotes.

Submissions (8):

Labcorp Genetics (formerly Invitae), Labcorp
Classification: Likely benign for Nemaline myopathy 2. Last evaluated: 2026-01-02. Review status: criteria provided, single submitter. Criteria: Invitae Variant Classification Sherloc (09022015). Collection method: clinical testing. Allele origin: germline.

Women's Health and Genetics/Laboratory Corporation of America, LabCorp
Classification: Uncertain significance. Last evaluated: 2025-04-29. Review status: criteria provided, single submitter. Criteria: LabCorp Variant Classification Summary - May 2015. Collection method: clinical testing. Allele origin: germline.
Comment: Variant summary: NEB c.3416C>T (p.Thr1139Met) results in a non-conservative amino acid change in the encoded protein sequence. Four of five in-silico tools predict a damaging effect of the variant on protein function. The variant allele was found at a frequency of 9.6e-05 in 249134 control chromosomes. This frequency is not significantly higher than estimated for a pathogenic variant in NEB causing Nemaline Myopathy 2 (9.6e-05 vs 0.0035), allowing no conclusion about variant significance. To our knowledge, no occurrence of c.3416C>T in individuals affected with Nemaline Myopathy 2 and no experimental evidence demonstrating its impact on protein function have been reported. ClinVar contains an entry for this variant (Variation ID: 331520). Based on the evidence outlined above, the variant was classified as uncertain significance.

Blueprint Genetics
Classification: Uncertain significance. Last evaluated: 2024-11-07. Review status: criteria provided, single submitter. Criteria: ACMG Guidelines, 2015. Collection method: clinical testing. Allele origin: germline.

Revvity Omics, Revvity
Classification: Uncertain significance. Last evaluated: 2021-07-29. Review status: criteria provided, single submitter. Criteria: ACMG Guidelines, 2015. Collection method: clinical testing. Allele origin: germline.

Ambry Genetics
Classification: Uncertain significance for Inborn genetic diseases. Last evaluated: 2021-06-18. Review status: criteria provided, single submitter. Criteria: Ambry Variant Classification Scheme 2023. Collection method: clinical testing. Allele origin: germline.

GeneDx
Classification: Uncertain significance. Last evaluated: 2020-01-16. Review status: criteria provided, single submitter. Criteria: GeneDx Variant Classification Process June 2021. Collection method: clinical testing. Allele origin: germline. Affected: yes.
Comment: In silico analysis, which includes protein predictors and evolutionary conservation, supports a deleterious effect; Has not been previously published as pathogenic or benign to our knowledge

Illumina Laboratory Services, Illumina
Classification: Uncertain significance for Nemaline myopathy 2. Last evaluated: 2018-01-13. Review status: criteria provided, single submitter. Criteria: ICSL Variant Classification Criteria 13 December 2019. Collection method: clinical testing. Allele origin: germline.

Natera, Inc.
Classification: Uncertain significance for Nemaline myopathy type 2. Last evaluated: 2020-01-17. Review status: no assertion criteria provided. Collection method: clinical testing. Allele origin: germline. Not counted in ClinVar's aggregate classification.